The following is an entry in ClinVar:

ClinVar aggregate classification (germline): Uncertain significance (1 of 4 stars; one submission).

Conditions:
Hereditary sensory and autonomic neuropathy type 6. Also called: HSAN VI; Neuropathy, hereditary sensory and autonomic, type VI. Identifiers: Orphanet 314381, MedGen C3539003, MONDO:0013839, OMIM 614653.
Epidermolysis bullosa simplex 3, localized or generalized intermediate, with BP230 deficiency (EBS3). Also called: Epidermolysis bullosa simplex, autosomal recessive 2; Epidermolysis bullosa simplex due to BP230 deficiency. Identifiers: Orphanet 412181, MedGen C3809470, MONDO:0014180, OMIM 615425.

Submission:

Labcorp Genetics (formerly Invitae), Labcorp
Classification: Uncertain significance for Epidermolysis bullosa simplex 3, localized or generalized intermediate, with BP230 deficiency; Hereditary sensory and autonomic neuropathy type 6. Last evaluated: 2022-01-18. Review status: criteria provided, single submitter. Criteria: Invitae Variant Classification Sherloc (09022015). Collection method: clinical testing. Allele origin: germline.
Comment: The DST gene has multiple clinically relevant transcripts. This variant occurs in alternate transcript NM_015548.4, and corresponds to NM_001723.5:c.*21615G>T in the primary transcript. This sequence change replaces glycine, which is neutral and non-polar, with cysteine, which is neutral and slightly polar, at codon 1540 of the DST protein (p.Gly1540Cys). This variant is not present in population databases (gnomAD no frequency). This variant has not been reported in the literature in individuals affected with DST-related conditions. Experimental studies and prediction algorithms are not available or were not evaluated, and the functional significance of this variant is currently unknown. In summary, the available evidence is currently insufficient to determine the role of this variant in disease. Therefore, it has been classified as a Variant of Uncertain Significance.

NM_001374736.1(DST):c.12487G>T (p.Gly4163Cys)

Genes: DST (dystonin; minus strand), LOC129996656 (ATAC-STARR-seq lymphoblastoid active region 24702; plus strand). Cytogenetic location: 6p12.1.
Variant type: single nucleotide variant.
Coding change: c.12487G>T on transcript NM_001374736.1 (MANE Select); coding-DNA position 12487, G replaced by T.
Protein change: p.Gly4163Cys; replaces glycine 4163 with cysteine.
Molecular consequence: missense variant.
Genome position (GRCh38, 1-based): chr6:56,593,902, C>A on the plus strand (G>T on the coding strand, the complement: DST is on the minus strand). VCF-style: chr6-56593902-C-A. GRCh37 (hg19) VCF-style: chr6-56458700-C-A.
Other names: c.6130G>T, p.Gly2044Cys (NM_001144769.5); c.5716G>T, p.Gly1906Cys (NM_001144770.2); c.12487G>T, p.Gly4163Cys (NM_001374722.1); c.11854G>T, p.Gly3952Cys (NM_001374729.1); c.5596G>T, p.Gly1866Cys (NM_001374730.1, NM_001386100.1, NM_183380.4); c.12514G>T, p.Gly4172Cys (NM_001374734.1); c.4618G>T, p.Gly1540Cys (NM_015548.5); short protein forms G1866C, G2044C, G1540C, G1906C, G3952C, G4172C, G4163C.
Identifiers: ClinVar variation 2087830 (VCV002087830.4), dbSNP rs748277363, ClinGen allele CA364525968.
Genomic context (GRCh38, chr6:56,593,902, plus strand): 5'-CTTCTGAGAAACTCTTCTGCCTCTTCAATTTGGTCATTAAACCATTGATGTCATCTGCAC[C>A]TGCCTCCAGGTTTTCAAGTTCTTGTTCTGACTGCTGTAGCCAGTGCTCAAACTCGGTATA-3'
Protein context (NP_001361665.1, residues 4153-4173): SEQELENLEA[Gly4163Cys]ADDINGLMTK